The following is an entry in ClinVar:

ClinVar aggregate classification (germline): Likely benign. Review status: criteria provided, multiple submitters, no conflicts (2 of 4 stars). 3 submissions from 3 submitters: Likely benign (2). 1 of the submissions does not count toward it. Last evaluated 2024-02-09.

Conditions:
Holoprosencephaly 9 (HPE9). Also called: PITUITARY ANOMALIES WITH HOLOPROSENCEPHALY-LIKE FEATURES; HOLOPROSENCEPHALY WITH MICROPHTHALMIA AND FIRST BRANCHIAL ARCH ANOMALIES. Identifiers: Orphanet 2162, MedGen C1835819, MONDO:0012563, OMIM 610829.
Postaxial polydactyly-anterior pituitary anomalies-facial dysmorphism syndrome. Also called: Culler-Jones syndrome. Identifiers: Orphanet 420584, MedGen C4014479, MONDO:0014369, OMIM 615849.
GLI2-related disorder. Also called: GLI2-related condition; GLI2-related disorders.

Allele frequency attached by ClinVar (database versions not stated): gnomAD 0.00003 and 0.00004; gnomAD exomes 0.00003 and 0.00004; ExAC 0.00004; TOPMed 0.00005; ESP Exome Variant Server 0.00008.
gnomAD v4.1: 45 of 1,613,458 alleles (0.0028%); highest among the groups gnomAD compares: East Asian, 0.0089%; no homozygotes.

Submissions (3):

Labcorp Genetics (formerly Invitae), Labcorp
Classification: Likely benign for Postaxial polydactyly-anterior pituitary anomalies-facial dysmorphism syndrome; Holoprosencephaly 9. Last evaluated: 2024-02-09. Review status: criteria provided, single submitter. Criteria: Invitae Variant Classification Sherloc (09022015). Collection method: clinical testing. Allele origin: germline.

Blueprint Genetics
Classification: Likely benign. Last evaluated: 2021-02-26. Review status: criteria provided, single submitter. Criteria: ACMG Guidelines, 2015. Collection method: clinical testing. Allele origin: germline.

PreventionGenetics, part of Exact Sciences
Classification: Likely benign for GLI2-related condition. Last evaluated: 2021-01-21. Review status: no assertion criteria provided. Collection method: clinical testing. Allele origin: germline. Not counted in ClinVar's aggregate classification.
Comment: This variant is classified as likely benign based on ACMG/AMP sequence variant interpretation guidelines (Richards et al. 2015 PMID: 25741868, with internal and published modifications).

NM_001374353.1(GLI2):c.1095C>T (p.Thr365=)

Gene: GLI2 (GLI family zinc finger 2; plus strand). Cytogenetic location: 2q14.2.
Variant type: single nucleotide variant.
Coding change: c.1095C>T on transcript NM_001374353.1 (MANE Select); coding-DNA position 1095, C replaced by T.
Protein change: p.Thr365=; no amino-acid change (threonine 365 retained).
Molecular consequence: synonymous variant.
Genome position (GRCh38, 1-based): chr2:120,971,976, C>T. VCF-style: chr2-120971976-C-T. GRCh37 (hg19) VCF-style: chr2-121729552-C-T.
Other names: c.1095C>T, p.Thr365= (NM_001371271.1, NM_005270.5); c.720C>T, p.Thr240= (NM_001374354.1).
Identifiers: ClinVar variation 789269 (VCV000789269.9), dbSNP rs374705620, ClinGen allele CA1851775.